The following is an entry in ClinVar:

NM_022436.3(ABCG5):c.329T>A (p.Leu110Gln)

Gene: ABCG5 (ATP binding cassette subfamily G member 5; minus strand). Cytogenetic location: 2p21.
Variant type: single nucleotide variant.
Coding change: c.329T>A on transcript NM_022436.3 (MANE Select); coding-DNA position 329, T replaced by A.
Protein change: p.Leu110Gln; replaces leucine 110 with glutamine.
Molecular consequence: missense variant.
Genome position (GRCh38, 1-based): chr2:43,832,020, A>T on the plus strand (T>A on the coding strand, the complement: ABCG5 is on the minus strand). VCF-style: chr2-43832020-A-T. GRCh37 (hg19) VCF-style: chr2-44059159-A-T.
Other names: short protein forms L110Q.
Identifiers: ClinVar variation 2616583 (VCV002616583.3), dbSNP rs1360912295, ClinGen allele CA346668118.
Genomic context (GRCh38, chr2:43,832,020, plus strand): 5'-GAGAAGCAGTCCTGGAACTGCTCCCGGCGCAGCGCCCGGCCGTTCACATACACCTCCCCC[A>T]GGAAGGTCCCCGCGCGCCCCAGCCTCCCGGACATGGCGTCCAGCAGCGTGGTTTTCCCGG-3'
Protein context (NP_071881.1, residues 100-120): SGRLGRAGTF[Leu110Gln]GEVYVNGRAL

ClinVar aggregate classification (germline): Uncertain significance (1 of 4 stars; one submission).

Conditions:
Cardiovascular phenotype. Identifiers: MedGen CN230736.

Allele frequency attached by ClinVar (database versions not stated): gnomAD exomes below 0.00001; TOPMed below 0.00001; gnomAD 0.00001.
gnomAD v4.1: 2 of 1,571,058 alleles (0.00013%); highest among the groups gnomAD compares: East Asian, 0.0047%; no homozygotes.

Submission:

Ambry Genetics
Classification: Uncertain significance for Cardiovascular phenotype. Last evaluated: 2025-08-03. Review status: criteria provided, single submitter. Criteria: Ambry Variant Classification Scheme 2023. Collection method: clinical testing. Allele origin: germline.
Comment: The p.L110Q variant (also known as c.329T>A), located in coding exon 3 of the ABCG5 gene, results from a T to A substitution at nucleotide position 329. The leucine at codon 110 is replaced by glutamine, an amino acid with dissimilar properties. This amino acid position is conserved. In addition, this alteration is predicted to be tolerated by in silico analysis. Based on the available evidence, the clinical significance of this variant remains unclear.